The following is an entry in ClinVar:

ClinVar aggregate classification (germline): Benign/Likely benign. Review status: criteria provided, multiple submitters, no conflicts (2 of 4 stars). 3 submissions from 3 submitters: Benign (1); Likely benign (2). Last evaluated 2024-05-14.

Conditions:
Hereditary cancer-predisposing syndrome. Also called: Neoplastic Syndromes, Hereditary; Hereditary Cancer Syndrome; Hereditary neoplastic syndrome; Tumor predisposition. Identifiers: Orphanet 140162, MedGen C0027672, MeSH D009386, MONDO:0015356.
Ataxia-telangiectasia syndrome (AT). Also called: Ataxia-telangiectasia, complementation group D; AT, COMPLEMENTATION GROUP C; ATAXIA-TELANGIECTASIA, COMPLEMENTATION GROUP A; ATAXIA-TELANGIECTASIA, FRESNO VARIANT; Cerebello-oculocutaneous telangiectasia; Immunodeficiency with ataxia telangiectasia. Identifiers: Orphanet 100, MedGen C0004135, MONDO:0008840, OMIM 208900.
Familial cancer of breast. Also called: hereditary breast carcinoma; Hereditary breast cancer; BREAST CANCER, FAMILIAL. Identifiers: Orphanet 227535, MedGen C0346153, MONDO:0016419, OMIM 114480. Disease mechanism: loss of function.

Submissions (3):

Myriad Genetics, Inc.
Classification: Benign for Familial cancer of breast. Last evaluated: 2024-05-14. Review status: criteria provided, single submitter. Criteria: Myriad Autosomal Dominant, Autosomal Recessive and X-Linked Classification Criteria (2023). Collection method: clinical testing. Allele origin: unknown.
Comment: This variant is considered benign. This variant is a silent/synonymous amino acid change and it is not expected to impact splicing.

Ambry Genetics
Classification: Likely benign for Hereditary cancer-predisposing syndrome. Last evaluated: 2020-11-30. Review status: criteria provided, single submitter. Criteria: Ambry Variant Classification Scheme 2023. Collection method: clinical testing. Allele origin: germline.

Labcorp Genetics (formerly Invitae), Labcorp
Classification: Likely benign for Ataxia-telangiectasia syndrome. Last evaluated: 2020-01-20. Review status: criteria provided, single submitter. Criteria: Invitae Variant Classification Sherloc (09022015). Collection method: clinical testing. Allele origin: germline.

NM_000051.4(ATM):c.3366T>C (p.Asn1122=)

Gene: ATM (ATM serine/threonine kinase; plus strand). Cytogenetic location: 11q22.3.
Variant type: single nucleotide variant.
Coding change: c.3366T>C on transcript NM_000051.4 (MANE Select); coding-DNA position 3366, T replaced by C.
Protein change: p.Asn1122=; no amino-acid change (asparagine 1122 retained).
Molecular consequence: synonymous variant.
Genome position (GRCh38, 1-based): chr11:108,279,572, T>C. VCF-style: chr11-108279572-T-C. GRCh37 (hg19) VCF-style: chr11-108150299-T-C.
Other names: c.3366T>C, p.Asn1122= (NM_001351834.2).
Identifiers: ClinVar variation 1159639 (VCV001159639.12), dbSNP rs2135644622, ClinGen allele CA476672735.
Genomic context (GRCh38, chr11:108,279,572, plus strand): 5'-AGATTCTTCCAGGTTACTGAAAGCACTTCCTTTGAAGCTTCAGCAAACAGCTTTTGAAAA[T>C]GCATACTTGAAAGCTCAGGAAGGAATGAGAGAAATGGTAATTTTAAGTAACATGTATTTG-3'
Protein context (NP_000042.3, residues 1112-1132): PLKLQQTAFE[Asn1122=]AYLKAQEGMR